The following is an entry in ClinVar:

NM_032119.4(ADGRV1):c.18515A>G (p.Asn6172Ser)

Gene: ADGRV1 (adhesion G protein-coupled receptor V1; plus strand). Cytogenetic location: 5q14.3.
Variant type: single nucleotide variant.
Coding change: c.18515A>G on transcript NM_032119.4 (MANE Select); coding-DNA position 18515, A replaced by G.
Protein change: p.Asn6172Ser; replaces asparagine 6172 with serine.
Molecular consequence: missense variant. On other transcripts: non-coding transcript variant (1).
Genome position (GRCh38, 1-based): chr5:91,150,112, A>G. VCF-style: chr5-91150112-A-G. GRCh37 (hg19) VCF-style: chr5-90445929-A-G.
Other names: short protein forms N6172S.
Identifiers: ClinVar variation 904380 (VCV000904380.7), dbSNP rs774995411, ClinGen allele CA3342671.

ClinVar aggregate classification (germline): Uncertain significance. Review status: criteria provided, multiple submitters, no conflicts (2 of 4 stars). 2 submissions from 2 submitters: Uncertain significance (2). Last evaluated 2022-08-16.

Conditions:
Usher syndrome type 2C. Also called: Usher syndrome, type 2B; USHER SYNDROME, TYPE IIC. Identifiers: Orphanet 231178, Orphanet 886, MedGen C2931213, MONDO:0011558, OMIM 605472.

Allele frequency attached by ClinVar (database versions not stated): ExAC below 0.00001; gnomAD 0.00001; gnomAD exomes 0.00002 and 0.00003.
gnomAD v4.1: 50 of 1,580,716 alleles (0.0032%); highest among the groups gnomAD compares: Non-Finnish European, 0.004%; no homozygotes.

Submissions (2):

Labcorp Genetics (formerly Invitae), Labcorp
Classification: Uncertain significance. Last evaluated: 2022-08-16. Review status: criteria provided, single submitter. Criteria: Invitae Variant Classification Sherloc (09022015). Collection method: clinical testing. Allele origin: germline.
Comment: This sequence change replaces asparagine, which is neutral and polar, with serine, which is neutral and polar, at codon 6172 of the ADGRV1 protein (p.Asn6172Ser). This variant is present in population databases (rs774995411, gnomAD 0.004%). This variant has not been reported in the literature in individuals affected with ADGRV1-related conditions. ClinVar contains an entry for this variant (Variation ID: 904380). Algorithms developed to predict the effect of missense changes on protein structure and function are either unavailable or do not agree on the potential impact of this missense change (SIFT: "Deleterious"; PolyPhen-2: "Possibly Damaging"; Align-GVGD: "Class C0"). In summary, the available evidence is currently insufficient to determine the role of this variant in disease. Therefore, it has been classified as a Variant of Uncertain Significance.

Illumina Laboratory Services, Illumina
Classification: Uncertain significance for Usher syndrome type 2C. Last evaluated: 2018-01-13. Review status: criteria provided, single submitter. Criteria: ICSL Variant Classification Criteria 13 December 2019. Collection method: clinical testing. Allele origin: germline.